The following is an entry in ClinVar:

ClinVar aggregate classification (germline): Conflicting classifications of pathogenicity. Review status: criteria provided, conflicting classifications (1 of 4 stars). 2 submissions from 2 submitters: Uncertain significance (1); Likely benign (1). Last evaluated 2023-03-23.

Conditions:
Hereditary cancer-predisposing syndrome. Also called: Hereditary Cancer Syndrome; Hereditary neoplastic syndrome; Neoplastic Syndromes, Hereditary; Tumor predisposition. Identifiers: Orphanet 140162, MedGen C0027672, MeSH D009386, MONDO:0015356.

Submissions (2):

University of Washington Department of Laboratory Medicine, University of Washington
Classification: Likely benign for Hereditary cancer-predisposing syndrome. Last evaluated: 2023-03-23. Review status: criteria provided, single submitter. Criteria: Dines et al. (Genet Med. 2020). Collection method: curation. Allele origin: germline.
Comment: Missense variant in a coldspot region where missense variants are very unlikely to be pathogenic (PMID:31911673).

BRCA2 exon 11 coldspot. Reclassification based on statistical prior probability.

Ambry Genetics
Classification: Uncertain significance for Hereditary cancer-predisposing syndrome. Last evaluated: 2021-03-29. Review status: criteria provided, single submitter. Criteria: Ambry Variant Classification Scheme 2023. Collection method: clinical testing. Allele origin: germline.
Comment: The p.V1447L variant (also known as c.4339G>T), located in coding exon 10 of the BRCA2 gene, results from a G to T substitution at nucleotide position 4339. The valine at codon 1447 is replaced by leucine, an amino acid with highly similar properties. This amino acid position is not well conserved in available vertebrate species. In addition, the in silico prediction for this alteration is inconclusive. Since supporting evidence is limited at this time, the clinical significance of this alteration remains unclear.

NM_000059.4(BRCA2):c.4339G>T (p.Val1447Leu)

Gene: BRCA2 (BRCA2 DNA repair associated; plus strand). Cytogenetic location: 13q13.1.
Variant type: single nucleotide variant.
Coding change: c.4339G>T on transcript NM_000059.4 (MANE Select); coding-DNA position 4339, G replaced by T.
Protein change: p.Val1447Leu; replaces valine 1447 with leucine.
Molecular consequence: missense variant.
Genome position (GRCh38, 1-based): chr13:32,338,694, G>T. VCF-style: chr13-32338694-G-T. GRCh37 (hg19) VCF-style: chr13-32912831-G-T.
Other names: c.4339G>T, p.Val1447Leu (NM_001406719.1, NM_001406720.1); short protein forms V1447L.
Identifiers: ClinVar variation 1739836 (VCV001739836.4), dbSNP rs1064795076, ClinGen allele CA387780881.